The following is an entry in ClinVar:

ClinVar aggregate classification (germline): Uncertain significance. Review status: criteria provided, multiple submitters, no conflicts (2 of 4 stars). 2 submissions from 2 submitters: Uncertain significance (2). Last evaluated 2024-07-19.

Conditions:
Hereditary cancer-predisposing syndrome. Also called: Tumor predisposition; Neoplastic Syndromes, Hereditary; Hereditary Cancer Syndrome; Hereditary neoplastic syndrome. Identifiers: Orphanet 140162, MedGen C0027672, MeSH D009386, MONDO:0015356.
Parathyroid carcinoma (PRTC). Also called: CDC73-Related Parathyroid Carcinoma; Parathyroid gland carcinoma. Identifiers: Orphanet 143, MedGen C0687150, MONDO:0012004, OMIM 608266, HP:0006780.

Submissions (2):

Ambry Genetics
Classification: Uncertain significance for Hereditary cancer-predisposing syndrome. Last evaluated: 2024-07-19. Review status: criteria provided, single submitter. Criteria: Ambry Variant Classification Scheme 2023. Collection method: clinical testing. Allele origin: germline.
Comment: The c.1586delT variant, located in coding exon 17 of the CDC73 gene, results from a deletion of one nucleotide at nucleotide position 1586, causing a translational frameshift with a predicted alternate stop codon (p.L529*). This alteration occurs at the 3' terminus of CDC73 gene, is not expected to trigger nonsense-mediated mRNAdecay, and only impacts the last 3 amino acids of the protein. The exact functional effect of this alteration is unknown. Since supporting evidence is limited at this time, the clinical significance of this alteration remains unclear.

Labcorp Genetics (formerly Invitae), Labcorp
Classification: Uncertain significance for Parathyroid carcinoma. Last evaluated: 2021-10-02. Review status: criteria provided, single submitter. Criteria: Invitae Variant Classification Sherloc (09022015). Collection method: clinical testing. Allele origin: germline.
Comment: This variant has not been reported in the literature in individuals affected with CDC73-related conditions. In summary, the available evidence is currently insufficient to determine the role of this variant in disease. Therefore, it has been classified as a Variant of Uncertain Significance. Experimental studies and prediction algorithms are not available or were not evaluated, and the functional significance of this variant is currently unknown. This variant is not present in population databases (ExAC no frequency). This sequence change creates a premature translational stop signal (p.Leu529*) in the CDC73 gene. While this is not anticipated to result in nonsense mediated decay, it is expected to disrupt the last 3 amino acid(s) of the CDC73 protein.

NM_024529.5(CDC73):c.1586del (p.His528_Leu529insTer)

Gene: CDC73 (cell division cycle 73; plus strand). Cytogenetic location: 1q31.2.
Variant type: Deletion.
Coding change: c.1586del on transcript NM_024529.5 (MANE Select); coding-DNA position 1586, one base deleted (T; older notation c.1586delT).
Protein change: p.His528_Leu529insTer.
Molecular consequence: nonsense.
Genome position (GRCh38, 1-based): chr1:193,250,702, T deleted; the last of 2 consecutive T bases (chr1:193,250,701-193,250,702); deleting either gives the same sequence. VCF-style (leftmost placement, unchanged base first): chr1-193250700-CT-C. GRCh37 (hg19) VCF-style: chr1-193219830-CT-C.
Identifiers: ClinVar variation 1380175 (VCV001380175.9), dbSNP rs1368184407, ClinGen allele CA528019033.